The following is an entry in ClinVar:

ClinVar aggregate classification (germline): Uncertain significance (1 of 4 stars; one submission).

Conditions:
Hereditary cancer-predisposing syndrome. Also called: Hereditary Cancer Syndrome; Hereditary neoplastic syndrome; Neoplastic Syndromes, Hereditary; Tumor predisposition. Identifiers: Orphanet 140162, MedGen C0027672, MeSH D009386, MONDO:0015356.

Submission:

Ambry Genetics
Classification: Uncertain significance for Hereditary cancer-predisposing syndrome. Last evaluated: 2026-07-30. Review status: criteria provided, single submitter. Criteria: Ambry Variant Classification Scheme 2023. Collection method: clinical testing. Allele origin: germline.
Comment: The c.4058_4073+6del22 variant results from a deletion of 22 nucleotides between positions c.4058 and c.4073+6 and involves the canonical splice donor site after coding exon 27 of the ALK gene. The canonical donor site is highly conserved in available vertebrate species. In silico splice site analysis predicts that this alteration may weaken the native splice donor site; however, the exact impact of this deletion on ALK splicing and function is currently unknown. Alterations that disrupt the canonical splice site are expected to cause aberrant splicing, resulting in an abnormal protein or a transcript that is subject to nonsense-mediated mRNA decay. However, loss of function of ALK has not been clearly established as a mechanism of disease. Since supporting evidence is limited at this time, the clinical significance of this alteration remains unclear.

NM_004304.5(ALK):c.4058_4073+6del

Gene: ALK (ALK receptor tyrosine kinase; minus strand). Cytogenetic location: 2p23.2.
Variant type: Deletion.
Coding change: c.4058_4073+6del on transcript NM_004304.5 (MANE Select); coding-DNA position 4058 through 6 bases into the intron after coding-DNA position 4073, 22 bases deleted (ACTGCCCTGGGCCTGTGTATGA).
Molecular consequence: splice donor variant.
Genome position (GRCh38, 1-based): chr2:29,197,536-29,197,557, TCATACACAGGCCCAGGGCAGT deleted on the plus strand (ACTGCCCTGGGCCTGTGTATGA on the coding strand, the reverse complement: ALK is on the minus strand); deleting any 22 consecutive bases within chr2:29,197,536-29,197,559 gives the same sequence; the c. name uses the placement nearest the transcript's 3' end. VCF-style (leftmost placement, unchanged base first): chr2-29197535-GTCATACACAGGCCCAGGGCAGT-G. GRCh37 (hg19) VCF-style: chr2-29420401-GTCATACACAGGCCCAGGGCAGT-G.
Other names: c.854_869+6del (NM_001353765.2).
Identifiers: ClinVar variation 1737426 (VCV001737426.3), dbSNP rs2465882369, ClinGen allele CA2580066450.
Genomic context (GRCh38, chr2:29,197,535, plus strand): 5'-CTCTGGATATTTTTTGAAAAGAAAAACTGCTTAGTAACTAGCAGAAGTGTTCCTAAAAGA[GTCATACACAGGCCCAGGGCAGT>G]TCTTGGGTGGGTCCATCCGGCCTCCACTGGTGACAAACTCCAGAACTTCCTGGTTGCTTT-3'